The following is an entry in ClinVar:

NM_001039141.3(TRIOBP):c.3992G>A (p.Arg1331Gln)

Gene: TRIOBP (TRIO and F-actin binding protein; plus strand). Cytogenetic location: 22q13.1.
Variant type: single nucleotide variant.
Coding change: c.3992G>A on transcript NM_001039141.3 (MANE Select); coding-DNA position 3992, G replaced by A.
Protein change: p.Arg1331Gln; replaces arginine 1331 with glutamine.
Molecular consequence: missense variant.
Genome position (GRCh38, 1-based): chr22:37,733,342, G>A. VCF-style: chr22-37733342-G-A. GRCh37 (hg19) VCF-style: chr22-38129349-G-A.
Other names: short protein forms R1331Q.
Identifiers: ClinVar variation 4822507 (VCV004822507.4).
Genomic context (GRCh38, chr22:37,733,342, plus strand): 5'-CTGCATTTGCTCATAGGAAGTCCGAGGCAGCGGGGGCCTTCCAGGCCCAGGACGAGGGAC[G>A]GTCACAGCAGCCCAGCCAAGGCCAGAGCCAACTTCTCCGAAGACAGTCCAGCCCTGCCCC-3'
Protein context (NP_001034230.1, residues 1321-1341): AGAFQAQDEG[Arg1331Gln]SQQPSQGQSQ

ClinVar aggregate classification (germline): Uncertain significance (1 of 4 stars; one submission).

gnomAD v4.1: 10 of 1,551,434 alleles (0.00064%); highest among the groups gnomAD compares: South Asian, 0.0036%; no homozygotes.

Submission:

CeGaT Center for Human Genetics Tuebingen
Classification: Uncertain significance. Last evaluated: 2026-02-01. Review status: criteria provided, single submitter. Criteria: CeGaT Center For Human Genetics Tuebingen Variant Classification Criteria Version 2. Collection method: clinical testing. Allele origin: germline. Affected: yes. Observed: 1 variant allele.
Comment: TRIOBP: PM2, BP4